The following is an entry in ClinVar:

ClinVar aggregate classification (germline): Likely benign (1 of 4 stars; one submission).

Allele frequency attached by ClinVar (database versions not stated): TOPMed 0.00019; gnomAD 0.00021; gnomAD exomes 0.00022 and 0.00030; ESP Exome Variant Server 0.00023; ExAC 0.00026.
gnomAD v4.1: 456 of 1,613,570 alleles (0.028%); highest among the groups gnomAD compares: Non-Finnish European, 0.036%; 1 homozygote.

Submission:

CeGaT Center for Human Genetics Tuebingen
Classification: Likely benign. Last evaluated: 2024-03-01. Review status: criteria provided, single submitter. Criteria: CeGaT Center For Human Genetics Tuebingen Variant Classification Criteria Version 2. Collection method: clinical testing. Allele origin: germline. Affected: yes. Observed: 2 variant alleles.
Comment: SPEN: BS1

NM_015001.3(SPEN):c.7871G>A (p.Arg2624Gln)

Gene: SPEN (spen family transcriptional repressor; plus strand). Cytogenetic location: 1p36.13.
Variant type: single nucleotide variant.
Coding change: c.7871G>A on transcript NM_015001.3 (MANE Select); coding-DNA position 7871, G replaced by A.
Protein change: p.Arg2624Gln; replaces arginine 2624 with glutamine.
Molecular consequence: missense variant.
Genome position (GRCh38, 1-based): chr1:15,934,111, G>A. VCF-style: chr1-15934111-G-A. GRCh37 (hg19) VCF-style: chr1-16260606-G-A.
Other names: short protein forms R2624Q.
Identifiers: ClinVar variation 1675345 (VCV001675345.33), dbSNP rs200512596, ClinGen allele CA620175.
Genomic context (GRCh38, chr1:15,934,111, plus strand): 5'-CTGCTGACAAGGAAAAGGTGGCTCCAGTCATTGCTCCCAAAATTACCTCTGTTATTAGCC[G>A]GATGCCTGTCAGCATTGACCTGGAAAATTCACAGAAGATAACCTTGGCAAAACCAGCTCC-3'
Protein context (NP_055816.2, residues 2614-2634): IAPKITSVIS[Arg2624Gln]MPVSIDLENS